The following is an entry in ClinVar:

ClinVar aggregate classification (germline): Uncertain significance (0 of 4 stars; one submission).

Allele frequency attached by ClinVar (database versions not stated): gnomAD 0.00005 and 0.00006; gnomAD exomes 0.00005 and 0.00018; TOPMed 0.00006; ExAC 0.00009.
gnomAD v4.1: 260 of 1,551,252 alleles (0.017%); highest among the groups gnomAD compares: Non-Finnish European, 0.022%; no homozygotes.

Submission:

Department of Pathology and Laboratory Medicine, Sinai Health System
Classification: Uncertain significance. Review status: no assertion criteria provided. Collection method: clinical testing. Allele origin: unknown. Affected: yes. Study: The Canadian Open Genetics Repository (COGR).
Comment: The TDRD9 p.C98G variant was not identified in the literature nor was it identified in ClinVar, Cosmic, or LOVD 3.0. The variant was identified in dbSNP (ID: rs755011079) and in control databases in 10 of 188112 chromosomes at a frequency of 0.000053 (Genome Aggregation Database Feb 27, 2017). The variant was observed in the European (non-Finnish) population in 10 of 76128 chromosomes (freq: 0.000131), but was not observed in the African, Latino, Ashkenazi Jewish, East Asian, European (Finnish), Other or South Asian populations. The p.Cys98 residue is not conserved in mammals and four out of five computational analyses (PolyPhen-2, SIFT, AlignGVGD, BLOSUM, MutationTaster) do not suggest a high likelihood of impact to the protein; however, this information is not predictive enough to rule out pathogenicity. The variant occurs outside of the splicing consensus sequence and two of four in silico or computational prediction software programs (SpliceSiteFinder, MaxEntScan, NNSPLICE, GeneSplicer) predict a greater than 10% difference in splicing; this is not very predictive of pathogenicity. In summary, based on the above information the clinical significance of this variant cannot be determined with certainty at this time. This variant is classified as a variant of uncertain significance.

NM_153046.3(TDRD9):c.292T>G (p.Cys98Gly)

Gene: TDRD9 (tudor domain containing 9; plus strand). Cytogenetic location: 14q32.33.
Variant type: single nucleotide variant.
Coding change: c.292T>G on transcript NM_153046.3 (MANE Select); coding-DNA position 292, T replaced by G.
Protein change: p.Cys98Gly; replaces cysteine 98 with glycine.
Molecular consequence: missense variant.
Genome position (GRCh38, 1-based): chr14:103,955,740, T>G. VCF-style: chr14-103955740-T-G. GRCh37 (hg19) VCF-style: chr14-104422077-T-G.
Other names: short protein forms C98G.
Identifiers: ClinVar variation 1049315 (VCV001049315.1), dbSNP rs755011079, ClinGen allele CA7368215.